The following is an entry in ClinVar:

ClinVar aggregate classification (germline): Uncertain significance (1 of 4 stars; one submission).

Allele frequency attached by ClinVar (database versions not stated): gnomAD exomes below 0.00001 and 0.00001; gnomAD 0.00002; TOPMed 0.00002.
gnomAD v4.1: 5 of 1,614,164 alleles (0.00031%); highest among the groups gnomAD compares: Admixed American, 0.0083%; no homozygotes.

Submission:

Labcorp Genetics (formerly Invitae), Labcorp
Classification: Uncertain significance. Last evaluated: 2021-11-14. Review status: criteria provided, single submitter. Criteria: Invitae Variant Classification Sherloc (09022015). Collection method: clinical testing. Allele origin: germline.
Comment: This sequence change replaces arginine, which is basic and polar, with glycine, which is neutral and non-polar, at codon 125 of the SPECC1L protein (p.Arg125Gly). This variant is present in population databases (no rsID available, gnomAD 0.006%). This variant has not been reported in the literature in individuals affected with SPECC1L-related conditions. Algorithms developed to predict the effect of missense changes on protein structure and function are either unavailable or do not agree on the potential impact of this missense change (SIFT: "Deleterious"; PolyPhen-2: "Benign"; Align-GVGD: "Class C45"). In summary, the available evidence is currently insufficient to determine the role of this variant in disease. Therefore, it has been classified as a Variant of Uncertain Significance.

NM_015330.6(SPECC1L):c.373A>G (p.Arg125Gly)

Genes: SPECC1L (sperm antigen with calponin homology and coiled-coil domains 1 like; plus strand), SPECC1L-ADORA2A (SPECC1L-ADORA2A readthrough (NMD candidate); plus strand). Cytogenetic location: 22q11.23.
Variant type: single nucleotide variant.
Coding change: c.373A>G on transcript NM_015330.6 (MANE Select); coding-DNA position 373, A replaced by G.
Protein change: p.Arg125Gly; replaces arginine 125 with glycine.
Molecular consequence: missense variant. On other transcripts: non-coding transcript variant (1).
Genome position (GRCh38, 1-based): chr22:24,321,353, A>G. VCF-style: chr22-24321353-A-G. GRCh37 (hg19) VCF-style: chr22-24717321-A-G.
Other names: c.373A>G, p.Arg125Gly (NM_001145468.4, NM_001254732.3); short protein forms R125G.
Identifiers: ClinVar variation 1389815 (VCV001389815.6), dbSNP rs1224334280, ClinGen allele CA410964761.